The following is an entry in ClinVar:

ClinVar aggregate classification (germline): Uncertain significance (1 of 4 stars; one submission).

Conditions:
POLD1-related polyposis and colorectal cancer syndrome (CRCS10). Also called: Colorectal cancer, susceptibility to, 10; Colorectal cancer 10; COLORECTAL CANCER, SUSCEPTIBILITY TO, ON CHROMOSOME 19q. Identifiers: Orphanet 220460, MedGen C2675481, MONDO:0012953, OMIM 612591.

Submission:

Labcorp Genetics (formerly Invitae), Labcorp
Classification: Uncertain significance for POLD1-related polyposis and colorectal cancer syndrome. Last evaluated: 2018-07-28. Review status: criteria provided, single submitter. Criteria: Invitae Variant Classification Sherloc (09022015). Collection method: clinical testing. Allele origin: germline.
Comment: This sequence change replaces serine with phenylalanine at codon 604 of the POLD1 protein (p.Ser604Phe). The serine residue is moderately conserved and there is a large physicochemical difference between serine and phenylalanine. This variant is not present in population databases (ExAC no frequency). This variant has not been reported in the literature in individuals with POLD1-related disease. Algorithms developed to predict the effect of missense changes on protein structure and function are either unavailable or do not agree on the potential impact of this missense change (SIFT: "Deleterious"; PolyPhen-2: "Probably Damaging"; Align-GVGD: "Class C15"). In summary, the available evidence is currently insufficient to determine the role of this variant in disease. Therefore, it has been classified as a Variant of Uncertain Significance.

NM_002691.4(POLD1):c.1811C>T (p.Ser604Phe)

Gene: POLD1 (DNA polymerase delta 1, catalytic subunit; plus strand). Cytogenetic location: 19q13.33.
Variant type: single nucleotide variant.
Coding change: c.1811C>T on transcript NM_002691.4 (MANE Select); coding-DNA position 1811, C replaced by T.
Protein change: p.Ser604Phe; replaces serine 604 with phenylalanine.
Molecular consequence: missense variant. On other transcripts: non-coding transcript variant (1).
Genome position (GRCh38, 1-based): chr19:50,408,820, C>T. VCF-style: chr19-50408820-C-T. GRCh37 (hg19) VCF-style: chr19-50912077-C-T.
Other names: c.1811C>T, p.Ser604Phe (NM_001256849.1); c.1889C>T, p.Ser630Phe (NM_001308632.1); short protein forms S604F, S630F.
Identifiers: ClinVar variation 659359 (VCV000659359.8), dbSNP rs1060501807, ClinGen allele CA406982001.